The following is an entry in ClinVar:

NM_015102.5(NPHP4):c.2611+1G>A

Gene: NPHP4 (nephrocystin 4; minus strand). Cytogenetic location: 1p36.31.
Variant type: single nucleotide variant.
Coding change: c.2611+1G>A on transcript NM_015102.5 (MANE Select); the canonical splice donor site of the intron after coding-DNA position 2611, G replaced by A.
Molecular consequence: splice donor variant.
Genome position (GRCh38, 1-based): chr1:5,880,113, C>T on the plus strand (G>A on the coding strand, the complement: NPHP4 is on the minus strand). VCF-style: chr1-5880113-C-T. GRCh37 (hg19) VCF-style: chr1-5940173-C-T.
Other names: c.1075+1G>A (NM_001291594.2); c.1072+1G>A (NM_001291593.2).
Identifiers: ClinVar variation 595124 (VCV000595124.18), dbSNP rs374141736, ClinGen allele CA554052.

ClinVar aggregate classification (germline): Pathogenic/Likely pathogenic. Review status: criteria provided, multiple submitters, no conflicts (2 of 4 stars). 8 submissions from 7 submitters: Pathogenic (2); Likely pathogenic (6). Last evaluated 2025-10-29.

Conditions:
Nephronophthisis. Also called: Juvenile Nephronophthisis. Identifiers: Orphanet 655, MedGen C0687120, MONDO:0019005, HP:0000090.
Nephronophthisis 4 (NPHP4). Also called: NEPHRONOPHTHISIS 4, JUVENILE. Identifiers: Orphanet 655, MedGen C1847013, MONDO:0011752, OMIM 606966.
NPHP4-related disorder. Also called: NPHP4-related disorders; NPHP4-related condition. Identifiers: MedGen CN239384.
Autosomal recessive NPHP4-related disorders.
Senior-Loken syndrome 4 (SLSN4). Identifiers: Orphanet 3156, MedGen C1846979, MONDO:0011756, OMIM 606996.

Allele frequency attached by ClinVar (database versions not stated): ESP Exome Variant Server 0.00008; gnomAD 0.00003; TOPMed 0.00003.
gnomAD v4.1: 39 of 1,613,530 alleles (0.0024%); highest among the groups gnomAD compares: African/African-American, 0.004%; no homozygotes.

Submissions (8):

Labcorp Genetics (formerly Invitae), Labcorp
Classification: Pathogenic for Nephronophthisis. Last evaluated: 2025-10-29. Review status: criteria provided, single submitter. Criteria: Invitae Variant Classification Sherloc (09022015). Collection method: clinical testing. Allele origin: germline.
Comment: This sequence change affects a donor splice site in intron 19 of the NPHP4 gene. It is expected to disrupt RNA splicing. Variants that disrupt the donor or acceptor splice site typically lead to a loss of protein function (PMID: 16199547), and loss-of-function variants in NPHP4 are known to be pathogenic (PMID: 12205563, 23559409). This variant is present in population databases (rs374141736, gnomAD 0.003%). Disruption of this splice site has been observed in individual(s) with clinical features of NPHP4-related conditions (PMID: 36938085; internal data). In at least one individual the data is consistent with being in trans (on the opposite chromosome) from a pathogenic variant. ClinVar contains an entry for this variant (Variation ID: 595124). Algorithms developed to predict the effect of sequence changes on RNA splicing suggest that this variant may disrupt the consensus splice site. For these reasons, this variant has been classified as Pathogenic.

GeneDx
Classification: Likely pathogenic. Last evaluated: 2025-10-06. Review status: criteria provided, single submitter. Criteria: GeneDx Variant Classification Process June 2021. Collection method: clinical testing. Allele origin: germline.
Comment: Reported with a second variant in the NPHP4 gene in a patient with syndromic retinitis pigmentosa in published literature (PMID: 40926010); Canonical splice site variant predicted to result in an in-frame loss of the adjacent exon in a gene for which loss of function is a known mechanism of disease; This variant is associated with the following publications: (PMID: 31589614, 31964843, 36938085, 40926010)

Variantyx, Inc.
Classification: Likely pathogenic for Nephronophthisis 4. Last evaluated: 2025-03-20. Review status: criteria provided, single submitter. Criteria: Variantyx Assertion Criteria 2022. Collection method: clinical testing. Allele origin: maternal. Inheritance: Autosomal recessive inheritance.
Comment: This is a canonical splicing variant in the NPHP4 gene (OMIM: 607215). Pathogenic variants in this gene have been associated with autosomal recessive NPHP4-related disorders. This splicing variant is expected to result in loss of function, which is a known disease mechanism for NPHP4 in this disorder (PMID: 12205563, 23559409) (PVS1). This variant has been reported in the homozygous state in an affected individual (PMID:36938085). This variant has a 0.0040% maximum allele frequency in non-founder control populations (PM2). Based on the current evidence, this variant is classified as likely pathogenic for autosomal recessive NPHP4-related disorders.

Variantyx, Inc.
Classification: Likely pathogenic for Autosomal recessive NPHP4-related disorders. Last evaluated: 2025-03-19. Review status: criteria provided, single submitter. Criteria: Variantyx Assertion Criteria 2022. Collection method: clinical testing. Allele origin: germline. Inheritance: Autosomal recessive inheritance.
Comment: the same text as in the submission from Variantyx, Inc. above.

Fulgent Genetics
Classification: Likely pathogenic for Nephronophthisis 4; Senior-Loken syndrome 4. Last evaluated: 2024-03-26. Review status: criteria provided, single submitter. Criteria: ACMG Guidelines, 2015. Collection method: clinical testing. Allele origin: germline.

Blueprint Genetics
Classification: Likely pathogenic for NPHP4-related disorders. Last evaluated: 2022-11-08. Review status: criteria provided, single submitter. Criteria: ACMG Guidelines, 2015. Collection method: clinical testing. Allele origin: germline. Affected: yes. Observed: 5 variant alleles.

Eurofins Ntd Llc (ga)
Classification: Pathogenic. Last evaluated: 2017-11-22. Review status: criteria provided, single submitter. Criteria: EGL Classification Definitions 2015. Collection method: clinical testing. Allele origin: germline. Observed: 1 variant allele, 1 heterozygote.

Juno Genomics, Hangzhou Juno Genomics, Inc
Classification: Likely pathogenic for Nephronophthisis 4; Senior-Loken syndrome 4. Review status: criteria provided, single submitter. Criteria: ACMG Guidelines, 2015. Collection method: clinical testing. Allele origin: germline.
Comment: Absent from controls (or at extremely low frequency if recessive) in Genome Aggregation Database.;Null variant in a gene where loss of function (LOF) is a known mechanism of disease.;For recessive disorders, detected in trans with a pathogenic variant.;Patient's phenotype or family history is highly specific for a disease with a single genetic etiology.

Literature cited by the submitters: PubMed 16199547 (cited by Labcorp Genetics (formerly Invitae), Labcorp); PubMed 12205563 (cited by Labcorp Genetics (formerly Invitae), Labcorp and Variantyx, Inc.); PubMed 23559409 (cited by Labcorp Genetics (formerly Invitae), Labcorp and Variantyx, Inc.); PubMed 36938085 (cited by Labcorp Genetics (formerly Invitae), Labcorp).